The following is an entry in ClinVar:

ClinVar aggregate classification (germline): Conflicting classifications of pathogenicity. Review status: criteria provided, conflicting classifications (1 of 4 stars). 4 submissions from 4 submitters: Uncertain significance (1); Likely benign (2). 1 of the submissions does not count toward it. Last evaluated 2024-10-23.

Conditions:
FYB1-related disorder. Also called: FYB1-related condition.

Allele frequency attached by ClinVar (database versions not stated): gnomAD 0.00014; TOPMed 0.00017; ESP Exome Variant Server 0.00025; ExAC 0.00028.
gnomAD v4.1: 473 of 1,613,418 alleles (0.029%); highest among the groups gnomAD compares: Middle Eastern, 0.71%; 3 homozygotes.

Submissions (4):

Blueprint Genetics
Classification: Likely benign. Last evaluated: 2024-10-23. Review status: criteria provided, single submitter. Criteria: ACMG Guidelines, 2015. Collection method: clinical testing. Allele origin: germline.

Mayo Clinic Laboratories, Mayo Clinic
Classification: Likely benign. Last evaluated: 2024-05-06. Review status: criteria provided, single submitter. Criteria: ACMG Guidelines, 2015. Collection method: clinical testing. Allele origin: germline. Observed: 2 variant alleles.
Comment: BS2_supporting, BP4

Ambry Genetics
Classification: Uncertain significance. Last evaluated: 2021-12-14. Review status: criteria provided, single submitter. Criteria: Ambry Variant Classification Scheme 2023. Collection method: clinical testing. Allele origin: germline.

PreventionGenetics, part of Exact Sciences
Classification: Likely benign for FYB1-related condition. Last evaluated: 2023-04-18. Review status: no assertion criteria provided. Collection method: clinical testing. Allele origin: germline. Not counted in ClinVar's aggregate classification.
Comment: This variant is classified as likely benign based on ACMG/AMP sequence variant interpretation guidelines (Richards et al. 2015 PMID: 25741868, with internal and published modifications).

NM_001465.6(FYB1):c.2000G>A (p.Arg667Gln)

Gene: FYB1 (FYN binding protein 1; minus strand). Cytogenetic location: 5p13.1.
Variant type: single nucleotide variant.
Coding change: c.2000G>A on transcript NM_001465.6 (MANE Select); coding-DNA position 2000, G replaced by A.
Protein change: p.Arg667Gln; replaces arginine 667 with glutamine.
Molecular consequence: missense variant. On other transcripts: intron variant (2).
Genome position (GRCh38, 1-based): chr5:39,126,043, C>T on the plus strand (G>A on the coding strand, the complement: FYB1 is on the minus strand). VCF-style: chr5-39126043-C-T. GRCh37 (hg19) VCF-style: chr5-39126145-C-T.
Other names: p.Arg667Gln; c.2030G>A, p.Arg677Gln (NM_001243093.2); c.2000G>A, p.Arg667Gln (NM_001349333.2); c.1907+1698G>A (NM_199335.5); c.1937+1698G>A (NM_018594.2); c.2000G>A (NM_001465.4); short protein forms R667Q, R677Q.
Identifiers: ClinVar variation 3043812 (VCV003043812.5), dbSNP rs199924788, ClinGen allele CA3246041.
Genomic context (GRCh38, chr5:39,126,043, plus strand): 5'-TTGGTTGACTCTTACGATGAACCTTCATTATTGTCTGAGTCAGAGACTTTAGGTTTCTCT[C>T]GTATACTTTTCTTTCTGTCATCTTTTCCCTTTAACATCTTCAAAATCCCCCAGGACCACG-3'
Protein context (NP_001456.3, residues 657-677): KGKDDRKKSI[Arg667Gln]EKPKVSDSDN